The following is an entry in ClinVar:

ClinVar aggregate classification (germline): Conflicting classifications of pathogenicity. Review status: criteria provided, conflicting classifications (1 of 4 stars). 13 submissions from 12 submitters: Uncertain significance (6); Benign (1); Likely benign (4). 2 of the submissions do not count toward it. Last evaluated 2026-09-07.

Conditions:
Lethal multiple pterygium syndrome (LMPS). Identifiers: Orphanet 33108, MedGen C1854678, MONDO:0009668, OMIM 253290.
Congenital myasthenic syndrome 3A. Also called: Myasthenic syndrome, congenital, 3a, slow-channel. Identifiers: Orphanet 590, MedGen C4225372, MONDO:0014583, OMIM 616321.
Congenital myasthenic syndrome 3B (CMS3B). Also called: Myasthenic syndrome, congenital, 3B, fast-channel. Identifiers: Orphanet 590, MedGen C4225371, MONDO:0014584, OMIM 616322.
Congenital myasthenic syndrome 3C. Also called: Myasthenic syndrome, congenital, 3c, associated with acetylcholine receptor deficiency. Identifiers: Orphanet 590, MedGen C4225370, MONDO:0014585, OMIM 616323.
CHRND-related disorder. Also called: CHRND-Related Disorders; CHRND-related condition.
Congenital myasthenic syndrome (CMS). Also called: Congenital Myasthenic Syndromes. Identifiers: Orphanet 590, MedGen C0751882, MeSH D020294, MONDO:0018940.

Allele frequency attached by ClinVar (database versions not stated): 1000 Genomes Project 0.00020; 1000 Genomes Project 30x 0.00031; gnomAD 0.00081 and 0.00089; ExAC 0.00087; ESP Exome Variant Server 0.00092; gnomAD exomes 0.00103 and 0.00156; TOPMed 0.00116.

Submissions (13):

GeneDx
Classification: Uncertain significance. Last evaluated: 2026-09-07. Review status: criteria provided, single submitter. Criteria: GeneDx Variant Classification Process June 2021. Collection method: clinical testing. Allele origin: germline.
Comment: Observed in twin probands with a clinical diagnosis of congenital muscular dystrophy; a de novo variant in another gene was thought to be the cause of the phenotype in these individuals. (PMID: 38892025); In silico analysis supports that this missense variant has a deleterious effect on protein structure/function; This variant is associated with the following publications: (PMID: 27104957, 38892025)

Labcorp Genetics (formerly Invitae), Labcorp
Classification: Likely benign for Lethal multiple pterygium syndrome. Last evaluated: 2026-01-26. Review status: criteria provided, single submitter. Criteria: Invitae Variant Classification Sherloc (09022015). Collection method: clinical testing. Allele origin: germline.

Athena Diagnostics
Classification: Likely benign. Last evaluated: 2025-09-19. Review status: criteria provided, single submitter. Criteria: Athena Diagnostics Criteria. Collection method: clinical testing. Allele origin: unknown.
Comment: The frequency of this variant in the general population is higher than would generally be expected for pathogenic variants in this gene.

Mayo Clinic Laboratories, Mayo Clinic
Classification: Benign. Last evaluated: 2024-10-31. Review status: criteria provided, single submitter. Criteria: ACMG Guidelines, 2015. Collection method: clinical testing. Allele origin: germline. Observed: 3 variant alleles.
Comment: BS1, BS2, PP3

PreventionGenetics, part of Exact Sciences
Classification: Likely benign for CHRND-related condition. Last evaluated: 2024-10-03. Review status: criteria provided, single submitter. Criteria: ACMG Guidelines, 2015. Collection method: clinical testing. Allele origin: germline.
Comment: This variant is classified as likely benign based on ACMG/AMP sequence variant interpretation guidelines (Richards et al. 2015 PMID: 25741868, with internal and published modifications).

Revvity Omics, Revvity
Classification: Likely benign. Last evaluated: 2023-10-26. Review status: criteria provided, single submitter. Criteria: ACMG Guidelines, 2015. Collection method: clinical testing. Allele origin: germline.

CeGaT Center for Human Genetics Tuebingen
Classification: Uncertain significance. Last evaluated: 2020-12-01. Review status: criteria provided, single submitter. Criteria: CeGaT Center For Human Genetics Tuebingen Variant Classification Criteria Version 2. Collection method: clinical testing. Allele origin: germline. Affected: yes. Observed: 3 variant alleles.

Fulgent Genetics
Classification: Uncertain significance for Lethal multiple pterygium syndrome; Congenital myasthenic syndrome 3A; Congenital myasthenic syndrome 3B; Congenital myasthenic syndrome 3C. Last evaluated: 2018-10-31. Review status: criteria provided, single submitter. Criteria: ACMG Guidelines, 2015. Collection method: clinical testing. Allele origin: unknown.

Illumina Laboratory Services, Illumina
Classification: Uncertain significance for Congenital myasthenic syndrome. Last evaluated: 2018-01-13. Review status: criteria provided, single submitter. Criteria: ICSL Variant Classification Criteria 13 December 2019. Collection method: clinical testing. Allele origin: germline.

Illumina Laboratory Services, Illumina
Classification: Uncertain significance for Lethal multiple pterygium syndrome. Last evaluated: 2018-01-13. Review status: criteria provided, single submitter. Criteria: ICSL Variant Classification Criteria 13 December 2019. Collection method: clinical testing. Allele origin: germline.

Eurofins Ntd Llc (ga)
Classification: Uncertain significance. Last evaluated: 2017-03-23. Review status: criteria provided, single submitter. Criteria: EGL Classification Definitions 2015. Collection method: clinical testing. Allele origin: germline. Observed: 2 variant alleles, 2 heterozygotes.

Clinical Genetics DNA and cytogenetics Diagnostics Lab, Erasmus MC, Erasmus Medical Center
Classification: Uncertain significance. Review status: no assertion criteria provided. Collection method: clinical testing. Allele origin: germline. Affected: yes. Study: VKGL Data-share Consensus. Not counted in ClinVar's aggregate classification.

Joint Genome Diagnostic Labs from Nijmegen and Maastricht, Radboudumc and MUMC+
Classification: Uncertain significance. Review status: no assertion criteria provided. Collection method: clinical testing. Allele origin: germline. Affected: yes. Study: VKGL Data-share Consensus. Not counted in ClinVar's aggregate classification.

Literature cited by the submitters: PubMed 38892025 (cited by Athena Diagnostics and Mayo Clinic Laboratories, Mayo Clinic); PubMed 25182519 (cited by Athena Diagnostics); PubMed 37035729 (cited by Athena Diagnostics).

NM_000751.3(CHRND):c.919C>T (p.Pro307Ser)

Gene: CHRND (cholinergic receptor nicotinic delta subunit; plus strand). Cytogenetic location: 2q37.1.
Variant type: single nucleotide variant.
Coding change: c.919C>T on transcript NM_000751.3 (MANE Select); coding-DNA position 919, C replaced by T.
Protein change: p.Pro307Ser; replaces proline 307 with serine.
Molecular consequence: missense variant.
Genome position (GRCh38, 1-based): chr2:232,531,450, C>T. VCF-style: chr2-232531450-C-T. GRCh37 (hg19) VCF-style: chr2-233396160-C-T.
Other names: p.Pro307Ser; c.874C>T, p.Pro292Ser (NM_001256657.2); c.337C>T, p.Pro113Ser (NM_001311195.2); c.616C>T, p.Pro206Ser (NM_001311196.2); c.919C>T (NM_000751.1); short protein forms P307S, P292S, P206S, P113S.
Identifiers: ClinVar variation 281423 (VCV000281423.74), dbSNP rs142063328, ClinGen allele CA2168190.